The following is an entry in ClinVar:

ClinVar aggregate classification (germline): Likely benign (1 of 4 stars; one submission).

gnomAD v4.1: 284 of 1,599,218 alleles (0.018%); highest among the groups gnomAD compares: Non-Finnish European, 0.021%; no homozygotes.

Submission:

CeGaT Center for Human Genetics Tuebingen
Classification: Likely benign. Last evaluated: 2025-09-01. Review status: criteria provided, single submitter. Criteria: CeGaT Center For Human Genetics Tuebingen Variant Classification Criteria Version 2. Collection method: clinical testing. Allele origin: germline. Affected: yes. Observed: 1 variant allele.
Comment: TANC2: BP4, BP7

NM_001394998.1(TANC2):c.183C>T (p.Tyr61=)

Gene: TANC2 (tetratricopeptide repeat, ankyrin repeat and coiled-coil containing 2; plus strand). Cytogenetic location: 17q23.2.
Variant type: single nucleotide variant.
Coding change: c.183C>T on transcript NM_001394998.1 (MANE Select); coding-DNA position 183, C replaced by T.
Protein change: p.Tyr61=; no amino-acid change (tyrosine 61 retained).
Molecular consequence: synonymous variant.
Genome position (GRCh38, 1-based): chr17:63,099,218, C>T. VCF-style: chr17-63099218-C-T. GRCh37 (hg19) VCF-style: chr17-61176579-C-T.
Other names: c.183C>T, p.Tyr61= (NM_001411076.1, NM_025185.4).
Identifiers: ClinVar variation 4281020 (VCV004281020.7).
Genomic context (GRCh38, chr17:63,099,218, plus strand): 5'-CCATCCCCTTCTAACAGGTGGCATCTCCACAGAAAGCGACTGTGCTTTTGAGCCAGACTA[C>T]GCTGTCCCGCCACTTCCAGTGAGTGAAGGTATGCAGCACATTCGGATTATGGAGGGCATG-3'
Protein context (NP_001381927.1, residues 51-71): TESDCAFEPD[Tyr61=]AVPPLPVSEG